The following is an entry in ClinVar:

NM_021930.6(RINT1):c.2056A>C (p.Ile686Leu)

Genes: EFCAB10 (EF-hand calcium binding domain 10; minus strand), RINT1 (RAD50 interactor 1; plus strand). Cytogenetic location: 7q22.3.
Variant type: single nucleotide variant.
Coding change: c.2056A>C on transcript NM_021930.6 (MANE Select); coding-DNA position 2056, A replaced by C.
Protein change: p.Ile686Leu; replaces isoleucine 686 with leucine.
Molecular consequence: missense variant. On other transcripts: 3 prime UTR variant (2), non-coding transcript variant (1).
Genome position (GRCh38, 1-based): chr7:105,565,446, A>C. VCF-style: chr7-105565446-A-C. GRCh37 (hg19) VCF-style: chr7-105205893-A-C.
Other names: c.*1T>G (NM_001355526.2); c.*103T>G (NM_001355530.2); c.361T>G, p.Cys121Gly (NM_001355531.2); c.1822A>C, p.Ile608Leu (NM_001346599.2); c.1033A>C, p.Ile345Leu (NM_001346600.2, NM_001346603.2); c.1132A>C, p.Ile378Leu (NM_001346601.2); short protein forms C121G, I345L, I686L, I378L, I608L.
Identifiers: ClinVar variation 2194856 (VCV002194856.6), dbSNP rs1791673147, ClinGen allele CA368814993.

ClinVar aggregate classification (germline): Uncertain significance. Review status: criteria provided, multiple submitters, no conflicts (2 of 4 stars). 2 submissions from 2 submitters: Uncertain significance (2). Last evaluated 2023-05-07.

Allele frequency attached by ClinVar (database versions not stated): gnomAD exomes below 0.00001; TOPMed below 0.00001.
gnomAD v4.1: 2 of 1,614,042 alleles (0.00012%); highest among the groups gnomAD compares: East Asian, 0.0022%; no homozygotes.

Submissions (2):

Ambry Genetics
Classification: Uncertain significance. Last evaluated: 2023-05-07. Review status: criteria provided, single submitter. Criteria: Ambry Variant Classification Scheme 2023. Collection method: clinical testing. Allele origin: germline.
Comment: The p.I686L variant (also known as c.2056A>C), located in coding exon 13 of the RINT1 gene, results from an A to C substitution at nucleotide position 2056. The isoleucine at codon 686 is replaced by leucine, an amino acid with highly similar properties. This amino acid position is conserved. In addition, this alteration is predicted to be tolerated by in silico analysis. Since supporting evidence is limited at this time, the clinical significance of this alteration remains unclear.

Labcorp Genetics (formerly Invitae), Labcorp
Classification: Uncertain significance. Last evaluated: 2022-02-28. Review status: criteria provided, single submitter. Criteria: Invitae Variant Classification Sherloc (09022015). Collection method: clinical testing. Allele origin: germline.
Comment: In summary, the available evidence is currently insufficient to determine the role of this variant in disease. Therefore, it has been classified as a Variant of Uncertain Significance. Algorithms developed to predict the effect of missense changes on protein structure and function output the following: SIFT: "Tolerated"; PolyPhen-2: "Benign"; Align-GVGD: "Class C0". The leucine amino acid residue is found in multiple mammalian species, which suggests that this missense change does not adversely affect protein function. This variant has not been reported in the literature in individuals affected with RINT1-related conditions. This variant is not present in population databases (gnomAD no frequency). This sequence change replaces isoleucine, which is neutral and non-polar, with leucine, which is neutral and non-polar, at codon 686 of the RINT1 protein (p.Ile686Leu).